The following is an entry in ClinVar:

NC_000015.9:g.(?_48826267)_(48936976_?)del

Gene: FBN1 (fibrillin 1; minus strand). Cytogenetic location: 15q21.1.
Variant type: Deletion.
Identifiers: ClinVar variation 1073742 (VCV001073742.5).

ClinVar aggregate classification (germline): Pathogenic (1 of 4 stars; one submission).

Conditions:
Familial thoracic aortic aneurysm and aortic dissection (TAAD). Also called: Thoracic aortic aneurysms and dissections. Identifiers: Orphanet 91387, MedGen C4707243, MONDO:0019625.
Marfan syndrome (MFS). Also called: Marfan syndrome type 1; Marfan's syndrome; Marfan syndrome, classic; MARFAN SYNDROME, TYPE I; FBN1-Related Marfan Syndrome. Identifiers: Orphanet 284963, Orphanet 558, MedGen C0024796, MONDO:0007947, OMIM 154700.

Submission:

Labcorp Genetics (formerly Invitae), Labcorp
Classification: Pathogenic for Marfan syndrome; Familial thoracic aortic aneurysm and aortic dissection. Last evaluated: 2020-06-10. Review status: criteria provided, single submitter. Criteria: Invitae Variant Classification Sherloc (09022015). Collection method: clinical testing. Allele origin: germline.
Comment: For these reasons, this variant has been classified as Pathogenic. Loss-of-function variants in FBN1 are known to be pathogenic (PMID: 17657824, 19293843). This variant has not been reported in the literature in individuals with FBN1-related conditions. This variant is a gross deletion of the genomic region encompassing exon(s) 2-8 of the FBN1 gene, which includes the initiator codon. The 5' end of this event is unknown as it extends beyond the assayed region for this gene and therefore may encompass additional genes. The 3' boundary is likely confined to intron 8 of the FBN1 gene. This is expected to result in an absent or disrupted protein product.

Literature cited by the submitters: PubMed 17657824; PubMed 19293843.